The following is an entry in ClinVar:

ClinVar aggregate classification (germline): Likely pathogenic. Review status: criteria provided, multiple submitters, no conflicts (2 of 4 stars). 2 submissions from 2 submitters: Likely pathogenic (2). Last evaluated 2025-08-06.

Conditions:
Kleefstra syndrome 1 (KLEFS1). Identifiers: Orphanet 261494, MedGen C0795833, MONDO:0027407, OMIM 610253.

Allele frequency attached by ClinVar (database versions not stated): gnomAD exomes below 0.00001.
gnomAD v4.1: 1 of 1,614,156 alleles (0.000062%); highest among the groups gnomAD compares: South Asian, 0.0011%; no homozygotes.

Submissions (2):

GeneDx
Classification: Likely pathogenic. Last evaluated: 2025-08-06. Review status: criteria provided, single submitter. Criteria: GeneDx Variant Classification Process June 2021. Collection method: clinical testing. Allele origin: germline. Affected: yes.
Comment: Reported as de novo in a cohort of patients with autism spectrum disorder; however, additional clinical information was not provided (PMID: 35982160); In silico analysis supports that this missense variant has a deleterious effect on protein structure/function; Not observed at significant frequency in large population cohorts (gnomAD); This variant is associated with the following publications: (PMID: 35982159, 35982160)

Victorian Clinical Genetics Services, Murdoch Childrens Research Institute
Classification: Likely pathogenic for Kleefstra syndrome 1. Last evaluated: 2020-05-21. Review status: criteria provided, single submitter. Criteria: ACMG Guidelines, 2015. Collection method: clinical testing. Allele origin: germline. Inheritance: Autosomal dominant inheritance.
Comment: Based on the classification scheme VCGS_Germline_v1.1.1, this variant is classified as likely pathogenic. Following criteria are met: 0102 - Loss-of-function is a known mechanism of disease for this gene. (N) 0107 - This gene is known to be associated with autosomal dominant disease. (N) 0200 - Variant is predicted to result in a missense amino acid change from cysteine to tyrosine (exon 17). (N) 0251 - Variant is heterozygous. (N) 0301 - Variant is absent from gnomAD. (P) 0501 - Missense variant consistently predicted to be damaging by multiple in-silico tools or highly conserved with a major amino acid change. (P) 0600 - Variant is located in an annotated domain or motif (Ankyrin repeat; PDB) (N) 0705 - No comparable variants have previous evidence for pathogenicity. (N) 0807 - Variant has not previously been reported in a clinical context. (N) 0905 - No segregation evidence has been identified for this variant. (N) 1007 - No published functional evidence has been identified for this variant. (P) Legend: (P) - Pathogenic, (N) - Neutral, (B) - Benign

NM_024757.5(EHMT1):c.2525G>A (p.Cys842Tyr)

Gene: EHMT1 (euchromatic histone lysine methyltransferase 1; plus strand). Cytogenetic location: 9q34.3.
Variant type: single nucleotide variant.
Coding change: c.2525G>A on transcript NM_024757.5 (MANE Select); coding-DNA position 2525, G replaced by A.
Protein change: p.Cys842Tyr; replaces cysteine 842 with tyrosine.
Molecular consequence: missense variant.
Genome position (GRCh38, 1-based): chr9:137,798,832, G>A. VCF-style: chr9-137798832-G-A. GRCh37 (hg19) VCF-style: chr9-140693284-G-A.
Other names: c.2504G>A, p.Cys835Tyr (NM_001354263.2); short protein forms C835Y, C842Y.
Identifiers: ClinVar variation 1805557 (VCV001805557.2), dbSNP rs2538357710, ClinGen allele CA375787995.